The following is an entry in ClinVar:

ClinVar aggregate classification (germline): Pathogenic (1 of 4 stars; one submission).

Submission:

Labcorp Genetics (formerly Invitae), Labcorp
Classification: Pathogenic. Last evaluated: 2022-03-12. Review status: criteria provided, single submitter. Criteria: Invitae Variant Classification Sherloc (09022015). Collection method: clinical testing. Allele origin: germline.
Comment: For these reasons, this variant has been classified as Pathogenic. This variant has not been reported in the literature in individuals affected with SMOC1-related conditions. A gross deletion of the genomic region encompassing the full coding sequence of the SMOC1 gene has been identified. Loss-of-function variants in SMOC1 are known to be pathogenic (PMID: 21194678). The boundaries of this event are unknown as they extend beyond the assayed region for this gene and therefore may encompass additional genes.

Literature cited by the submitters: PubMed 21194678.

NC_000014.8:g.(?_68699594)_(70654407_?)del

Genes: ACTN1 (actinin alpha 1; minus strand), CCDC177 (coiled-coil domain containing 177; minus strand), DCAF5 (DDB1 and CUL4 associated factor 5; minus strand), ERH (ERH mRNA splicing and mitosis factor; minus strand), EXD2 (exonuclease 3'-5' domain containing 2; plus strand) and 10 more. Cytogenetic location: 14q24.1-24.2.
Variant type: Deletion.
Identifiers: ClinVar variation 2423522 (VCV002423522.3).